The following is an entry in ClinVar:

NM_002734.5(PRKAR1A):c.764_768del (p.Ile255fs)

Gene: PRKAR1A (protein kinase cAMP-dependent type I regulatory subunit alpha; plus strand). Cytogenetic location: 17q24.2.
Variant type: Deletion.
Coding change: c.764_768del on transcript NM_002734.5 (MANE Select); coding-DNA positions 764 to 768, 5 bases deleted (TTTTA; older notation c.764_768delTTTTA).
Protein change: p.Ile255fs; shifts the reading frame from isoleucine 255.
Molecular consequence: frameshift variant.
Genome position (GRCh38, 1-based): chr17:68,527,895-68,527,899, TTTTA deleted; deleting any 5 consecutive bases within chr17:68,527,893-68,527,899 gives the same sequence; the c. name uses the placement nearest the transcript's 3' end. VCF-style (leftmost placement, unchanged base first): chr17-68527892-CTATTT-C. GRCh37 (hg19) VCF-style: chr17-66524033-CTATTT-C.
Other names: c.764_768delTTTTA (NM_002734.4); c.764_768del, p.Ile255fs (NM_001276289.2, NM_001276290.1, NM_001278433.2 and 4 more transcripts); short protein forms I255fs.
Identifiers: ClinVar variation 536897 (VCV000536897.8), dbSNP rs1555814477, ClinGen allele CA658798966.

ClinVar aggregate classification (germline): Pathogenic (1 of 4 stars; one submission).

Conditions:
Carney complex, type 1 (CNC1). Also called: CARNEY MYXOMA-ENDOCRINE COMPLEX; CARNEY COMPLEX, TYPE I. Identifiers: Orphanet 1359, MedGen C2607929, MONDO:0008057, OMIM 160980.

Submission:

Labcorp Genetics (formerly Invitae), Labcorp
Classification: Pathogenic for Carney complex, type 1. Last evaluated: 2017-09-18. Review status: criteria provided, single submitter. Criteria: Invitae Variant Classification Sherloc (09022015). Collection method: clinical testing. Allele origin: germline.
Comment: This sequence change creates a premature translational stop signal (p.Ile255Argfs*13) in the PRKAR1A gene. It is expected to result in an absent or disrupted protein product. This variant is not present in population databases (ExAC no frequency). This variant has been reported in an individual affected with Carney complex (PMID: 20358582). Loss-of-function variants in PRKAR1A are known to be pathogenic (PMID: 11115848, 19293268). For these reasons, this variant has been classified as Pathogenic.

Literature cited by the submitters: PubMed 20358582; PubMed 11115848; PubMed 19293268.